The following is an entry in ClinVar:

NM_198576.4(AGRN):c.3701C>T (p.Ser1234Phe)

Gene: AGRN (agrin; plus strand). Cytogenetic location: 1p36.33.
Variant type: single nucleotide variant.
Coding change: c.3701C>T on transcript NM_198576.4 (MANE Select); coding-DNA position 3701, C replaced by T.
Protein change: p.Ser1234Phe; replaces serine 1234 with phenylalanine.
Molecular consequence: missense variant.
Genome position (GRCh38, 1-based): chr1:1,047,845, C>T. VCF-style: chr1-1047845-C-T. GRCh37 (hg19) VCF-style: chr1-983225-C-T.
Other names: c.3701C>T, p.Ser1234Phe (NM_001305275.2); c.3386C>T, p.Ser1129Phe (NM_001364727.2); short protein forms S1129F, S1234F.
Identifiers: ClinVar variation 1503878 (VCV001503878.8), dbSNP rs1433503299, ClinGen allele CA337851483.

ClinVar aggregate classification (germline): Uncertain significance (1 of 4 stars; one submission).

Conditions:
Congenital myasthenic syndrome 8. Also called: MYASTHENIC SYNDROME, CONGENITAL, DUE TO AGRIN DEFICIENCY; Myasthenic syndrome, congenital, 8, with pre- and postsynaptic defects. Identifiers: Orphanet 590, MedGen C3808739, MONDO:0014052, OMIM 615120.

Allele frequency attached by ClinVar (database versions not stated): gnomAD exomes below 0.00001.
gnomAD v4.1: 2 of 1,606,040 alleles (0.00012%); highest among the groups gnomAD compares: Admixed American, 0.0017%; no homozygotes.

Submission:

Labcorp Genetics (formerly Invitae), Labcorp
Classification: Uncertain significance for Congenital myasthenic syndrome 8. Last evaluated: 2022-06-27. Review status: criteria provided, single submitter. Criteria: Invitae Variant Classification Sherloc (09022015). Collection method: clinical testing. Allele origin: germline.
Comment: This variant is present in population databases (no rsID available, gnomAD 0.001%). This sequence change replaces serine, which is neutral and polar, with phenylalanine, which is neutral and non-polar, at codon 1234 of the AGRN protein (p.Ser1234Phe). This variant has not been reported in the literature in individuals affected with AGRN-related conditions. Algorithms developed to predict the effect of missense changes on protein structure and function are either unavailable or do not agree on the potential impact of this missense change (SIFT: "Deleterious"; PolyPhen-2: "Possibly Damaging"; Align-GVGD: "Class C0"). In summary, the available evidence is currently insufficient to determine the role of this variant in disease. Therefore, it has been classified as a Variant of Uncertain Significance.